The following is an entry in ClinVar:

ClinVar aggregate classification (germline): Pathogenic (1 of 4 stars; one submission).

Conditions:
Cohen syndrome (COH1). Also called: Cutis verticis gyrata, retinitis pigmentosa, and sensorineural deafness; PEPPER SYNDROME. Identifiers: Orphanet 193, MedGen C0265223, MONDO:0008999, OMIM 216550.

Submission:

Labcorp Genetics (formerly Invitae), Labcorp
Classification: Pathogenic for Cohen syndrome. Last evaluated: 2023-04-03. Review status: criteria provided, single submitter. Criteria: Invitae Variant Classification Sherloc (09022015). Collection method: clinical testing. Allele origin: germline.
Comment: This sequence change creates a premature translational stop signal (p.Thr1334Leufs*2) in the VPS13B gene. It is expected to result in an absent or disrupted protein product. Loss-of-function variants in VPS13B are known to be pathogenic (PMID: 15141358, 16648375, 20461111). This variant is not present in population databases (gnomAD no frequency). This variant has not been reported in the literature in individuals affected with VPS13B-related conditions. For these reasons, this variant has been classified as Pathogenic.

Literature cited by the submitters: PubMed 15141358; PubMed 16648375; PubMed 20461111.

NM_152564.5(VPS13B):c.3999del (p.Thr1334fs)

Gene: VPS13B (vacuolar protein sorting 13 homolog B; plus strand). Cytogenetic location: 8q22.2.
Variant type: Deletion.
Coding change: c.3999del on transcript NM_152564.5 (MANE Select); coding-DNA position 3999, one base deleted (T; older notation c.3999delT).
Protein change: p.Thr1334fs; shifts the reading frame from threonine 1334.
Molecular consequence: frameshift variant.
Genome position (GRCh38, 1-based): chr8:99,501,815, T deleted; the last of 2 consecutive T bases (chr8:99,501,814-99,501,815); deleting either gives the same sequence. VCF-style (leftmost placement, unchanged base first): chr8-99501813-AT-A. GRCh37 (hg19) VCF-style: chr8-100514041-AT-A.
Other names: c.3999del, p.Thr1334fs (NM_017890.5); short protein forms T1334fs.
Identifiers: ClinVar variation 2844531 (VCV002844531.3), dbSNP rs2490448712, ClinGen allele CA2739268920.
Genomic context (GRCh38, chr8:99,501,813, plus strand): 5'-AGTAATATTGGAGGAACCAGTGGACGTGTTAGTTTATGGATGCAGTGGGTGCTTCCCAAA[AT>A]TACTATAAAGCTCTTTGCTCCAGATCCTGAAAATAAAGGCACAGGTACAGGATTCCTTTT-3'